The following is an entry in ClinVar:

NM_001009931.3(HRNR):c.7599C>A (p.Gly2533=)

Genes: CCDST (cervical cancer associated DHX9 suppressive transcript; plus strand), HRNR (hornerin; minus strand). Cytogenetic location: 1q21.3.
Variant type: single nucleotide variant.
Coding change: c.7599C>A on transcript NM_001009931.3 (MANE Select); coding-DNA position 7599, C replaced by A.
Protein change: p.Gly2533=; no amino-acid change (glycine 2533 retained).
Molecular consequence: synonymous variant.
Genome position (GRCh38, 1-based): chr1:152,214,030, G>T on the plus strand (C>A on the coding strand, the complement: HRNR is on the minus strand). VCF-style: chr1-152214030-G-T. GRCh37 (hg19) VCF-style: chr1-152186506-G-T.
Identifiers: ClinVar variation 2639197 (VCV002639197.24), dbSNP rs1188565026, ClinGen allele CA420920715.

ClinVar aggregate classification (germline): Likely benign (1 of 4 stars; one submission).

Submission:

CeGaT Center for Human Genetics Tuebingen
Classification: Likely benign. Last evaluated: 2023-03-01. Review status: criteria provided, single submitter. Criteria: CeGaT Center For Human Genetics Tuebingen Variant Classification Criteria Version 2. Collection method: clinical testing. Allele origin: germline. Affected: yes. Observed: 2 variant alleles.
Comment: HRNR: BP4, BP7